The following is an entry in ClinVar:

NM_000532.5(PCCB):c.53C>T (p.Ala18Val)

Gene: PCCB (propionyl-CoA carboxylase subunit beta; plus strand). Cytogenetic location: 3q22.3.
Variant type: single nucleotide variant.
Coding change: c.53C>T on transcript NM_000532.5 (MANE Select); coding-DNA position 53, C replaced by T.
Protein change: p.Ala18Val; replaces alanine 18 with valine.
Molecular consequence: missense variant.
Genome position (GRCh38, 1-based): chr3:136,250,428, C>T. VCF-style: chr3-136250428-C-T. GRCh37 (hg19) VCF-style: chr3-135969270-C-T.
Other names: c.53C>T, p.Ala18Val (NM_001178014.2); c.53C>T (NM_000532.4); short protein forms A18V.
Identifiers: ClinVar variation 2142774 (VCV002142774.2), dbSNP rs769481450, ClinGen allele CA2631557.

ClinVar aggregate classification (germline): Uncertain significance. Review status: criteria provided, multiple submitters, no conflicts (2 of 4 stars). 2 submissions from 2 submitters: Uncertain significance (2). Last evaluated 2024-10-11.

Conditions:
Propionic acidemia (PROP). Also called: HYPERGLYCINEMIA WITH KETOACIDOSIS AND LEUKOPENIA; KETOTIC HYPERGLYCINEMIA; GLYCINEMIA, KETOTIC. Identifiers: Orphanet 35, MedGen C0268579, MONDO:0011628, OMIM 606054, HP:0003571.

Allele frequency attached by ClinVar (database versions not stated): gnomAD exomes below 0.00001; gnomAD 0.00001; TOPMed 0.00001; ExAC 0.00003.
gnomAD v4.1: 3 of 1,590,872 alleles (0.00019%); highest among the groups gnomAD compares: Non-Finnish European, 0.00026%; no homozygotes.

Submissions (2):

GeneDx
Classification: Uncertain significance. Last evaluated: 2024-10-11. Review status: criteria provided, single submitter. Criteria: GeneDx Variant Classification Process June 2021. Collection method: clinical testing. Allele origin: germline. Affected: yes.
Comment: Not observed at significant frequency in large population cohorts (gnomAD); In silico analysis indicates that this missense variant does not alter protein structure/function; Has not been previously published as pathogenic or benign to our knowledge

Labcorp Genetics (formerly Invitae), Labcorp
Classification: Uncertain significance for Propionic acidemia. Last evaluated: 2022-07-12. Review status: criteria provided, single submitter. Criteria: Invitae Variant Classification Sherloc (09022015). Collection method: clinical testing. Allele origin: germline.
Comment: This sequence change replaces alanine, which is neutral and non-polar, with valine, which is neutral and non-polar, at codon 18 of the PCCB protein (p.Ala18Val). The frequency data for this variant in the population databases is considered unreliable, as metrics indicate poor data quality at this position in the gnomAD database. This variant has not been reported in the literature in individuals affected with PCCB-related conditions. Advanced modeling of protein sequence and biophysical properties (such as structural, functional, and spatial information, amino acid conservation, physicochemical variation, residue mobility, and thermodynamic stability) performed at Invitae indicates that this missense variant is not expected to disrupt PCCB protein function. Algorithms developed to predict the effect of sequence changes on RNA splicing suggest that this variant may create or strengthen a splice site. In summary, the available evidence is currently insufficient to determine the role of this variant in disease. Therefore, it has been classified as a Variant of Uncertain Significance.